The following is an entry in ClinVar:

NM_000518.4(HBB):c.404T>C (p.Val135Ala)

Genes: HBB (hemoglobin subunit beta; minus strand), LOC107133510 (origin of replication at HBB; plus strand), LOC110006319 (beta-globin gene 3' regulatory region; plus strand). Cytogenetic location: 11p15.4.
Variant type: single nucleotide variant.
Coding change: c.404T>C on transcript NM_000518.4; coding-DNA position 404, T replaced by C.
Protein change: p.Val135Ala; replaces valine 135 with alanine.
Molecular consequence: missense variant (on NM_000518.5).
Genome position (GRCh38, 1-based): chr11:5,225,638, A>G on the plus strand (T>C on the coding strand, the complement: HBB is on the minus strand). VCF-style: chr11-5225638-A-G. GRCh37 (hg19) VCF-style: chr11-5246868-A-G.
Other names: V134A; c.404T>C, p.Val135Ala (NM_000518.5); short protein forms V135A.
Identifiers: ClinVar variation 15588 (VCV000015588.16), dbSNP rs33966761, ClinGen allele CA125496.

ClinVar aggregate classification (germline): Conflicting classifications of pathogenicity. Review status: criteria provided, conflicting classifications (1 of 4 stars). 6 submissions from 6 submitters: Pathogenic (1); Uncertain significance (3). 2 of the submissions do not count toward it. Last evaluated 2025-12-31.

Conditions:
HEMOGLOBIN YAOUNDE.
beta Thalassemia (BTHAL). Also called: Cooley's anemia; Erythroblastic anemia; Mediterranean anemia. Identifiers: Orphanet 848, MedGen C0005283, MONDO:0019402. Disease mechanism: loss of function.

Allele frequency attached by ClinVar (database versions not stated): gnomAD exomes 0.00003; ExAC 0.00003; TOPMed 0.00005; gnomAD 0.00003.
gnomAD v4.1: 23 of 1,613,958 alleles (0.0014%); highest among the groups gnomAD compares: African/African-American, 0.021%; no homozygotes.

Submissions (6):

Women's Health and Genetics/Laboratory Corporation of America, LabCorp
Classification: Uncertain significance. Last evaluated: 2025-12-31. Review status: criteria provided, single submitter. Criteria: LabCorp Variant Classification Summary - May 2015. Collection method: clinical testing. Allele origin: germline.
Comment: Variant summary: HBB c.404T>C (p.Val135Ala), also known as Hb Mataro and Hb Yaounde, results in a non-conservative amino acid change in the encoded protein sequence. Algorithms developed to predict the effect of missense changes on protein structure and function are either unavailable or do not agree on the potential impact of this missense change. The variant allele was found at a frequency of 3.2e-05 in 251372 control chromosomes, predominantly at a frequency of 0.00025 within the African or African-American subpopulation in the gnomAD database. The available data on variant occurrences in the general population are insufficient to allow any conclusion about variant significance. c.404T>C has been observed in the heterozygous state, or in several cases as a biallelic genotype, in multiple asymptomatic individuals. Faustino_2004 reported a family that carried the variant in trans with HbC (p.Glu7Lys), and concluded that the variant does not cause clinical or hematological manifestations. Yapo_2001 also referred to the variant as neutral, with no hematological consequence, after reporting it in an individual who was compound heterozygous for the variant and Hb Kenitra (p.Gly70Arg). Finally, Vinciguerra_2015 reported two family members as compound heterozygotes for this variant and the anti 3.7 alpha-globin gene triplication with no symptoms, and hematological parameters comparable to individuals carrying only the other variant. These co-occurrences with other pathogenic (or potentially pathogenic) hemoglobin variants in asymptomatic individuals provide supporting evidence for a benign role. At least one publication reports experimental evidence evaluating an impact on protein function, however, does not allow convincing conclusions about the variant effect (e.g. Wajcman_2009). The following publications have been ascertained in the context of this evaluation (PMID: 891976, 33851260, 38748601, 15481891, 19429541, 21353607, 26635043, 36630651, 17932132, 11523095, 31553106, 39858575, 25113778, 19500561, 11300355, 15065210). ClinVar contains an entry for this variant (Variation ID: 15588). Based on the evidence outlined above, the variant was classified as VUS-possibly benign.

Quest Diagnostics Nichols Institute San Juan Capistrano
Classification: Uncertain significance. Last evaluated: 2025-10-10. Review status: criteria provided, single submitter. Criteria: Quest Diagnostics criteria. Collection method: clinical testing. Allele origin: unknown.
Comment: The HBB c.404T>C (p.Val135Ala) variant (also known as Hb Yaounde) has been reported in the published literature in in compound heterozygous state along with other variants in individuals with no hematological manifestations (PMID: 11300355 (2001), 15481891 (2004), 25113778 (2015)). The variant was reported to have normal stability (PMID: 15481891 (2004), HbVar). The frequency of this variant in the general population (Genome Aggregation Database) is uninformative in the assessment of its pathogenicity. Analysis of this variant using bioinformatics tools for the prediction of the effect of amino acid changes on protein structure and function yielded conflicting predictions that this variant is deleterious or benign. Based on the available information, we are unable to determine the clinical significance of this variant.

GeneDx
Classification: Uncertain significance. Last evaluated: 2024-09-10. Review status: criteria provided, single submitter. Criteria: GeneDx Variant Classification Process June 2021. Collection method: clinical testing. Allele origin: germline. Affected: yes.
Comment: Identified as a single heterozygous variant or with a second HBB variant in individuals in published literature and reported as an asymptomatic hemoglobin variant not attributed to causing disease (PMID: 11300355, 15481891, 25113778); Observed in a patient who also harbored an alpha-globin triplication, however further hematological testing and familial studies suggested that p.(V135A) variant did not contribute to any clinical symptoms (PMID: 25113778); In silico analysis indicates that this missense variant does not alter protein structure/function; Also known as p.(V134A) due to the use of alternate nomenclature as well as Hb Yaounde and Hb Mataro; This variant is associated with the following publications: (PMID: 33851260, 17932132, 15065210, 19429541, 31553106, 26635043, 34272389, 11523095, 38748601, 15481891, 21353607, 11300355, 25113778)

Clinical Genetics and Genomics, Karolinska University Hospital
Classification: Pathogenic. Last evaluated: 2018-04-12. Review status: criteria provided, single submitter. Criteria: ACMG Guidelines, 2015. Collection method: clinical testing. Allele origin: germline. Affected: yes. Observed: 1 variant allele.

Natera, Inc.
Classification: Uncertain significance for Beta thalassemia. Last evaluated: 2018-05-11. Review status: no assertion criteria provided. Collection method: clinical testing. Allele origin: germline. Not counted in ClinVar's aggregate classification.

OMIM
Classification: other for HEMOGLOBIN YAOUNDE. Last evaluated: 2017-12-12. Review status: no assertion criteria provided. Collection method: literature only. Allele origin: germline. Not counted in ClinVar's aggregate classification.

Literature cited by the submitters: PubMed 15481891 (cited by 3 submitters); PubMed 11300355 (cited by 3 submitters); PubMed 11523095 (cited by Women's Health and Genetics/Laboratory Corporation of America, LabCorp and Quest Diagnostics Nichols Institute San Juan Capistrano); PubMed 891976 (cited by Women's Health and Genetics/Laboratory Corporation of America, LabCorp); PubMed 17932132 (cited by Women's Health and Genetics/Laboratory Corporation of America, LabCorp); PubMed 19429541 (cited by Women's Health and Genetics/Laboratory Corporation of America, LabCorp and Quest Diagnostics Nichols Institute San Juan Capistrano); PubMed 21353607 (cited by Women's Health and Genetics/Laboratory Corporation of America, LabCorp and Quest Diagnostics Nichols Institute San Juan Capistrano); PubMed 15065210 (cited by Women's Health and Genetics/Laboratory Corporation of America, LabCorp and Quest Diagnostics Nichols Institute San Juan Capistrano); PubMed 25113778 (cited by Women's Health and Genetics/Laboratory Corporation of America, LabCorp and Quest Diagnostics Nichols Institute San Juan Capistrano); PubMed 26635043 (cited by Women's Health and Genetics/Laboratory Corporation of America, LabCorp and Quest Diagnostics Nichols Institute San Juan Capistrano); PubMed 19500561 (cited by Women's Health and Genetics/Laboratory Corporation of America, LabCorp); PubMed 31553106 (cited by Women's Health and Genetics/Laboratory Corporation of America, LabCorp and Quest Diagnostics Nichols Institute San Juan Capistrano); PubMed 33851260 (cited by Women's Health and Genetics/Laboratory Corporation of America, LabCorp and Quest Diagnostics Nichols Institute San Juan Capistrano); PubMed 38748601 (cited by Women's Health and Genetics/Laboratory Corporation of America, LabCorp and Quest Diagnostics Nichols Institute San Juan Capistrano); PubMed 36630651 (cited by Women's Health and Genetics/Laboratory Corporation of America, LabCorp); PubMed 39858575 (cited by Women's Health and Genetics/Laboratory Corporation of America, LabCorp).